The following is an entry in ClinVar:

ClinVar aggregate classification (germline): Uncertain significance. Review status: criteria provided, multiple submitters, no conflicts (2 of 4 stars). 3 submissions from 3 submitters: Uncertain significance (3). Last evaluated 2026-04-10.

Allele frequency attached by ClinVar (database versions not stated): gnomAD exomes below 0.00001; TOPMed below 0.00001.
gnomAD v4.1: 6 of 1,613,772 alleles (0.00037%); highest among the groups gnomAD compares: Non-Finnish European, 0.00042%; no homozygotes.

Submissions (3):

Women's Health and Genetics/Laboratory Corporation of America, LabCorp
Classification: Uncertain significance. Last evaluated: 2026-04-10. Review status: criteria provided, single submitter. Criteria: LabCorp Variant Classification Summary - May 2015. Collection method: clinical testing. Allele origin: germline.
Comment: Variant summary: PLOD1 c.2107C>T (p.Arg703X) results in a premature termination codon in the last exon, predicted to cause a truncation of the encoded protein or absence of the protein, however nonsense mediated decay is not predicted to occur. The variant allele was found at a frequency of 4e-06 in 251292 control chromosomes. The available data on variant occurrences in the general population are insufficient to allow any conclusion about variant significance. To our knowledge, no occurrence of c.2107C>T in individuals affected with PLOD1-related conditions and no experimental evidence demonstrating its impact on protein function have been reported. ClinVar contains an entry for this variant (Variation ID: 1707358). Based on the evidence outlined above, the variant was classified as uncertain significance.

Blueprint Genetics
Classification: Uncertain significance. Last evaluated: 2022-04-13. Review status: criteria provided, single submitter. Criteria: ACMG Guidelines, 2015. Collection method: clinical testing. Allele origin: germline.

GeneDx
Classification: Uncertain significance. Last evaluated: 2022-03-21. Review status: criteria provided, single submitter. Criteria: GeneDx Variant Classification Process June 2021. Collection method: clinical testing. Allele origin: germline. Affected: yes.
Comment: Not observed at significant frequency in large population cohorts (gnomAD); Nonsense variant predicted to result in protein truncation in a gene or region of a gene for which loss of function is not a well-established mechanism of disease; Has not been previously published as pathogenic or benign to our knowledge

NM_000302.4(PLOD1):c.2107C>T (p.Arg703Ter)

Gene: PLOD1 (procollagen-lysine,2-oxoglutarate 5-dioxygenase 1; plus strand). Cytogenetic location: 1p36.22.
Variant type: single nucleotide variant.
Coding change: c.2107C>T on transcript NM_000302.4 (MANE Select); coding-DNA position 2107, C replaced by T.
Protein change: p.Arg703Ter; replaces arginine 703 with a stop codon.
Molecular consequence: nonsense.
Genome position (GRCh38, 1-based): chr1:11,974,731, C>T. VCF-style: chr1-11974731-C-T. GRCh37 (hg19) VCF-style: chr1-12034788-C-T.
Other names: c.2248C>T, p.Arg750Ter (NM_001316320.2); short protein forms R703*, R750*.
Identifiers: ClinVar variation 1707358 (VCV001707358.4), dbSNP rs1308628256, ClinGen allele CA338453748.
Genomic context (GRCh38, chr1:11,974,731, plus strand): 5'-CTGCGCTACAACTGTTCCATCCGAGCCCCAAGGAAGGGCTGGACCCTCATGCACCCTGGA[C>T]GACTCACGCATTACCATGAGGGGCTCCCCACCACCAGGGGCACCCGCTACATCGCAGTCT-3'